The following is an entry in ClinVar:

ClinVar aggregate classification (germline): Uncertain significance (1 of 4 stars; one submission).

Allele frequency attached by ClinVar (database versions not stated): gnomAD exomes below 0.00001; TOPMed 0.00001.

Submission:

Ambry Genetics
Classification: Uncertain significance. Last evaluated: 2023-10-20. Review status: criteria provided, single submitter. Criteria: Ambry Variant Classification Scheme 2023. Collection method: clinical testing. Allele origin: germline.
Comment: The p.A683V variant (also known as c.2048C>T), located in coding exon 18 of the BUB1 gene, results from a C to T substitution at nucleotide position 2048. The alanine at codon 683 is replaced by valine, an amino acid with similar properties. This amino acid position is conserved. In addition, this alteration is predicted to be tolerated by in silico analysis. Since supporting evidence is limited at this time, the clinical significance of this alteration remains unclear.

NM_004336.5(BUB1):c.2048C>T (p.Ala683Val)

Gene: BUB1 (BUB1 mitotic checkpoint serine/threonine kinase; minus strand). Cytogenetic location: 2q13.
Variant type: single nucleotide variant.
Coding change: c.2048C>T on transcript NM_004336.5 (MANE Select); coding-DNA position 2048, C replaced by T.
Protein change: p.Ala683Val; replaces alanine 683 with valine.
Molecular consequence: missense variant.
Genome position (GRCh38, 1-based): chr2:110,650,701, G>A on the plus strand (C>T on the coding strand, the complement: BUB1 is on the minus strand). VCF-style: chr2-110650701-G-A. GRCh37 (hg19) VCF-style: chr2-111408278-G-A.
Other names: c.1988C>T, p.Ala663Val (NM_001278616.2); c.2048C>T, p.Ala683Val (NM_001278617.2); short protein forms A683V, A663V.
Identifiers: ClinVar variation 1785001 (VCV001785001.2), dbSNP rs1338916768, ClinGen allele CA348210005.